The following is an entry in ClinVar:

NM_001370466.1(NOD2):c.2341G>C (p.Glu781Gln)

Gene: NOD2 (nucleotide binding oligomerization domain containing 2; plus strand). Cytogenetic location: 16q12.1.
Variant type: single nucleotide variant.
Coding change: c.2341G>C on transcript NM_001370466.1 (MANE Select); coding-DNA position 2341, G replaced by C.
Protein change: p.Glu781Gln; replaces glutamic acid 781 with glutamine.
Molecular consequence: missense variant. On other transcripts: non-coding transcript variant (1).
Genome position (GRCh38, 1-based): chr16:50,712,333, G>C. VCF-style: chr16-50712333-G-C. GRCh37 (hg19) VCF-style: chr16-50746244-G-C.
Other names: c.2341G>C, p.Glu781Gln (NM_001293557.2); c.2422G>C, p.Glu808Gln (NM_022162.3); short protein forms E781Q, E808Q.
Identifiers: ClinVar variation 4790691 (VCV004790691.1).

ClinVar aggregate classification (germline): Uncertain significance (1 of 4 stars; one submission).

Conditions:
Regional enteritis. Also called: Enteritis, Granulomatous. Identifiers: MedGen C0678202, MeSH D003424.
Blau syndrome (BLAUS). Also called: ARTHROCUTANEOUVEAL GRANULOMATOSIS; GRANULOMATOSIS, FAMILIAL JUVENILE SYSTEMIC; GRANULOMATOSIS, FAMILIAL, BLAU TYPE; GRANULOMATOUS INFLAMMATORY ARTHRITIS, DERMATITIS, AND UVEITIS, FAMILIAL; JABS SYNDROME. Identifiers: Orphanet 90340, MedGen C5201146, MONDO:0008523, OMIM 186580.

Submission:

Labcorp Genetics (formerly Invitae), Labcorp
Classification: Uncertain significance for Regional enteritis; Blau syndrome. Last evaluated: 2025-06-08. Review status: criteria provided, single submitter. Criteria: Invitae Variant Classification Sherloc (09022015). Collection method: clinical testing. Allele origin: germline.
Comment: This sequence change replaces glutamic acid, which is acidic and polar, with glutamine, which is neutral and polar, at codon 808 of the NOD2 protein (p.Glu808Gln). This variant is present in population databases (no rsID available, gnomAD 0.003%). This variant has not been reported in the literature in individuals affected with NOD2-related conditions. Invitae Evidence Modeling of protein sequence and biophysical properties (such as structural, functional, and spatial information, amino acid conservation, physicochemical variation, residue mobility, and thermodynamic stability) indicates that this missense variant is not expected to disrupt NOD2 protein function with a negative predictive value of 95%. In summary, the available evidence is currently insufficient to determine the role of this variant in disease. Therefore, it has been classified as a Variant of Uncertain Significance.